The following is an entry in ClinVar:

ClinVar aggregate classification (germline): Uncertain significance (1 of 4 stars; one submission).

Conditions:
Early-infantile DEE. Also called: Ohtahara syndrome; Early infantile epileptic encephalopathy; Early infantile epileptic encephalopathy with suppression bursts. Identifiers: Orphanet 1934, MedGen C0393706, MONDO:0800491.

Submission:

Labcorp Genetics (formerly Invitae), Labcorp
Classification: Uncertain significance for Early-infantile DEE. Last evaluated: 2023-08-14. Review status: criteria provided, single submitter. Criteria: Invitae Variant Classification Sherloc (09022015). Collection method: clinical testing. Allele origin: germline.
Comment: This sequence change replaces serine, which is neutral and polar, with proline, which is neutral and non-polar, at codon 1690 of the SCN1A protein (p.Ser1690Pro). In summary, the available evidence is currently insufficient to determine the role of this variant in disease. Therefore, it has been classified as a Variant of Uncertain Significance. Advanced modeling of protein sequence and biophysical properties (such as structural, functional, and spatial information, amino acid conservation, physicochemical variation, residue mobility, and thermodynamic stability) performed at Invitae indicates that this missense variant is expected to disrupt SCN1A protein function. This variant has not been reported in the literature in individuals affected with SCN1A-related conditions. This variant is not present in population databases (gnomAD no frequency).

NM_001165963.4(SCN1A):c.5068T>C (p.Ser1690Pro)

Genes: SCN1A (sodium voltage-gated channel alpha subunit 1; minus strand), LOC102724058 (uncharacterized LOC102724058; plus strand). Cytogenetic location: 2q24.3.
Variant type: single nucleotide variant.
Coding change: c.5068T>C on transcript NM_001165963.4 (MANE Select); coding-DNA position 5068, T replaced by C.
Protein change: p.Ser1690Pro; replaces serine 1690 with proline.
Molecular consequence: missense variant. On other transcripts: non-coding transcript variant (1).
Genome position (GRCh38, 1-based): chr2:165,992,207, A>G on the plus strand (T>C on the coding strand, the complement: SCN1A is on the minus strand). VCF-style: chr2-165992207-A-G. GRCh37 (hg19) VCF-style: chr2-166848717-A-G.
Other names: c.5035T>C, p.Ser1679Pro (NM_001353952.2, NM_006920.6, NM_001353949.2 and 2 more transcripts); c.5032T>C, p.Ser1678Pro (NM_001353954.2, NM_001353955.2); c.4984T>C, p.Ser1662Pro (NM_001353957.2, NM_001353958.2, NM_001165964.3); c.4981T>C, p.Ser1661Pro (NM_001353960.2); c.2626T>C, p.Ser876Pro (NM_001353961.2); c.5068T>C, p.Ser1690Pro (NM_001202435.3, NM_001353948.2); short protein forms S1678P, S1679P, S1661P, S1662P, S876P, S1690P.
Identifiers: ClinVar variation 2752271 (VCV002752271.3), dbSNP rs2468338070, ClinGen allele CA349069400.